The following is an entry in ClinVar:

NM_001370259.2(MEN1):c.943G>C (p.Asp315His)

Gene: MEN1 (menin 1; minus strand). Cytogenetic location: 11q13.1.
Variant type: single nucleotide variant.
Coding change: c.943G>C on transcript NM_001370259.2 (MANE Select); coding-DNA position 943, G replaced by C.
Protein change: p.Asp315His; replaces aspartic acid 315 with histidine.
Molecular consequence: missense variant.
Genome position (GRCh38, 1-based): chr11:64,806,338, C>G on the plus strand (G>C on the coding strand, the complement: MEN1 is on the minus strand). VCF-style: chr11-64806338-C-G. GRCh37 (hg19) VCF-style: chr11-64573810-C-G.
Other names: c.943G>C, p.Asp315His (NM_001370261.2, NM_001370251.2, NM_001370260.2 and 1 more transcripts); c.838G>C, p.Asp280His (NM_001370262.2, NM_001370263.2); c.958G>C, p.Asp320His (NM_130801.3, NM_130802.3, NM_130803.3 and 3 more transcripts); short protein forms D315H, D280H, D320H.
Identifiers: ClinVar variation 1489150 (VCV001489150.6), dbSNP rs747851909, ClinGen allele CA381183402.

ClinVar aggregate classification (germline): Uncertain significance (1 of 4 stars; one submission).

Conditions:
Multiple endocrine neoplasia, type 1 (MEN1). Also called: MEN I; WERMER SYNDROME; Endocrine adenomatosis multiple; MEN 1; MEA I. Identifiers: Orphanet 652, MedGen C0025267, MeSH D018761, MONDO:0007540, OMIM 131100.

Submission:

Labcorp Genetics (formerly Invitae), Labcorp
Classification: Uncertain significance for Multiple endocrine neoplasia, type 1. Last evaluated: 2024-02-17. Review status: criteria provided, single submitter. Criteria: Invitae Variant Classification Sherloc (09022015). Collection method: clinical testing. Allele origin: germline.
Comment: This sequence change replaces aspartic acid, which is acidic and polar, with histidine, which is basic and polar, at codon 315 of the MEN1 protein (p.Asp315His). This variant is not present in population databases (gnomAD no frequency). This variant has not been reported in the literature in individuals affected with MEN1-related conditions. ClinVar contains an entry for this variant (Variation ID: 1489150). Advanced modeling of protein sequence and biophysical properties (such as structural, functional, and spatial information, amino acid conservation, physicochemical variation, residue mobility, and thermodynamic stability) performed at Invitae indicates that this missense variant is expected to disrupt MEN1 protein function with a positive predictive value of 95%. In summary, the available evidence is currently insufficient to determine the role of this variant in disease. Therefore, it has been classified as a Variant of Uncertain Significance.